The following is an entry in ClinVar:

ClinVar aggregate classification (germline): Uncertain significance (1 of 4 stars; one submission).

Allele frequency attached by ClinVar (database versions not stated): gnomAD exomes below 0.00001.

Submission:

Labcorp Genetics (formerly Invitae), Labcorp
Classification: Uncertain significance. Last evaluated: 2024-10-24. Review status: criteria provided, single submitter. Criteria: Invitae Variant Classification Sherloc (09022015). Collection method: clinical testing. Allele origin: germline.
Comment: This sequence change replaces glycine, which is neutral and non-polar, with aspartic acid, which is acidic and polar, at codon 163 of the TSEN2 protein (p.Gly163Asp). This variant is not present in population databases (gnomAD no frequency). This variant has not been reported in the literature in individuals affected with TSEN2-related conditions. Invitae Evidence Modeling of protein sequence and biophysical properties (such as structural, functional, and spatial information, amino acid conservation, physicochemical variation, residue mobility, and thermodynamic stability) indicates that this missense variant is not expected to disrupt TSEN2 protein function with a negative predictive value of 80%. In summary, the available evidence is currently insufficient to determine the role of this variant in disease. Therefore, it has been classified as a Variant of Uncertain Significance.

NM_025265.4(TSEN2):c.488G>A (p.Gly163Asp)

Gene: TSEN2 (tRNA splicing endonuclease subunit 2; plus strand). Cytogenetic location: 3p25.2.
Variant type: single nucleotide variant.
Coding change: c.488G>A on transcript NM_025265.4 (MANE Select); coding-DNA position 488, G replaced by A.
Protein change: p.Gly163Asp; replaces glycine 163 with aspartic acid.
Molecular consequence: missense variant. On other transcripts: non-coding transcript variant (1).
Genome position (GRCh38, 1-based): chr3:12,503,441, G>A. VCF-style: chr3-12503441-G-A. GRCh37 (hg19) VCF-style: chr3-12544940-G-A.
Other names: c.488G>A, p.Gly163Asp (NM_001145394.2, NM_001321277.2, NM_001321278.2 and 3 more transcripts); short protein forms G163D.
Identifiers: ClinVar variation 2842334 (VCV002842334.3), dbSNP rs2471513651, ClinGen allele CA351470952.